The following is an entry in ClinVar:

ClinVar aggregate classification (germline): Uncertain significance (1 of 4 stars; one submission).

Allele frequency attached by ClinVar (database versions not stated): TOPMed 0.00001; gnomAD exomes below 0.00001; ExAC 0.00001; gnomAD 0.00001.
gnomAD v4.1: 3 of 1,609,454 alleles (0.00019%); highest among the groups gnomAD compares: African/African-American, 0.004%; no homozygotes.

Submission:

Labcorp Genetics (formerly Invitae), Labcorp
Classification: Uncertain significance. Last evaluated: 2025-08-06. Review status: criteria provided, single submitter. Criteria: Invitae Variant Classification Sherloc (09022015). Collection method: clinical testing. Allele origin: germline.
Comment: This sequence change replaces histidine, which is basic and polar, with leucine, which is neutral and non-polar, at codon 162 of the FAR1 protein (p.His162Leu). This variant is present in population databases (rs768662232, gnomAD 0.01%). This variant has not been reported in the literature in individuals affected with FAR1-related conditions. ClinVar contains an entry for this variant (Variation ID: 2898445). Invitae Evidence Modeling of protein sequence and biophysical properties (such as structural, functional, and spatial information, amino acid conservation, physicochemical variation, residue mobility, and thermodynamic stability) indicates that this missense variant is not expected to disrupt FAR1 protein function with a negative predictive value of 80%. In summary, the available evidence is currently insufficient to determine the role of this variant in disease. Therefore, it has been classified as a Variant of Uncertain Significance.

NM_032228.6(FAR1):c.485A>T (p.His162Leu)

Gene: FAR1 (fatty acyl-CoA reductase 1; plus strand). Cytogenetic location: 11p15.3.
Variant type: single nucleotide variant.
Coding change: c.485A>T on transcript NM_032228.6 (MANE Select); coding-DNA position 485, A replaced by T.
Protein change: p.His162Leu; replaces histidine 162 with leucine.
Molecular consequence: missense variant.
Genome position (GRCh38, 1-based): chr11:13,708,019, A>T. VCF-style: chr11-13708019-A-T. GRCh37 (hg19) VCF-style: chr11-13729566-A-T.
Other names: short protein forms H162L.
Identifiers: ClinVar variation 2898445 (VCV002898445.3), dbSNP rs768662232, ClinGen allele CA5893322.